The following is an entry in ClinVar:

NM_024675.4(PALB2):c.1238C>T (p.Thr413Ile)

Gene: PALB2 (partner and localizer of BRCA2; minus strand). Cytogenetic location: 16p12.2.
Variant type: single nucleotide variant.
Coding change: c.1238C>T on transcript NM_024675.4 (MANE Select); coding-DNA position 1238, C replaced by T.
Protein change: p.Thr413Ile; replaces threonine 413 with isoleucine.
Molecular consequence: missense variant. On other transcripts: intron variant (3).
Genome position (GRCh38, 1-based): chr16:23,635,308, G>A on the plus strand (C>T on the coding strand, the complement: PALB2 is on the minus strand). VCF-style: chr16-23635308-G-A. GRCh37 (hg19) VCF-style: chr16-23646629-G-A.
Other names: c.1178C>T, p.Thr393Ile (NM_001407296.1); c.1238C>T, p.Thr413Ile (NM_001407297.1, NM_001407298.1, NM_001407299.1 and 3 more transcripts); c.353C>T, p.Thr118Ile (NM_001407304.1, NM_001407305.1, NM_001407306.1 and 5 more transcripts); c.48+5802C>T (NM_001407314.1); c.-104-4839C>T (NM_001407313.1, NM_001407312.1); short protein forms T118I, T393I, T413I.
Identifiers: ClinVar variation 2573177 (VCV002573177.1), dbSNP rs876660213, ClinGen allele CA395132961.
Genomic context (GRCh38, chr16:23,635,308, plus strand): 5'-AAATGACTCTGAATGACAGCCTCCACGGCTACTTTCCTCTGGCAATTGGACATGCTTCGT[G>A]TTGTTCTAACATAATATTCTGCAGGAAACAGAAGGCCTTCAGGCACTGTGCAAGAATGTT-3'
Protein context (NP_078951.2, residues 403-423): LFPAEYYVRT[Thr413Ile]RSMSNCQRKV

ClinVar aggregate classification (germline): Uncertain significance (1 of 4 stars; one submission).

Conditions:
Breast-ovarian cancer, familial, susceptibility to, 5 (BROVCA5). Identifiers: MedGen C5830615, MONDO:0957530, OMIM 620442.

Submission:

KCCC/NGS Laboratory, Kuwait Cancer Control Center
Classification: Uncertain significance for Breast-ovarian cancer, familial, susceptibility to, 5. Last evaluated: 2023-07-07. Review status: criteria provided, single submitter. Criteria: ACMG Guidelines, 2015. Collection method: clinical testing. Allele origin: unknown. Affected: yes.
Comment: This variant is a missense mutation that substitutes one amino acid for another. This variant is NOT one of the known disease-causing mutations in the PALB2 gene. There is one entry in ClinVar for this mutation and it is reported as variant of unknown significance. There is no publication that mentions this mutation as far as we know. Therefore, the possibility of developing one of the medical conditions related to pathogenic mutations in the PALB2 gene is unknown at this time.